The following is an entry in ClinVar:

ClinVar aggregate classification (germline): Pathogenic/Likely pathogenic. Review status: criteria provided, multiple submitters, no conflicts (2 of 4 stars). 2 submissions from 2 submitters: Pathogenic (1); Likely pathogenic (1). Last evaluated 2023-06-23.

Conditions:
Ellis-van Creveld syndrome (EVC). Also called: EVC-Related Ellis-van Creveld Syndrome; EVC2-Related Ellis-van Creveld Syndrome; MESOECTODERMAL DYSPLASIA; Chondroectodermal dysplasia. Identifiers: Orphanet 289, MedGen C0013903, MONDO:0009162, OMIM 225500.
Curry-Hall syndrome (WAD). Also called: WEYERS ACRODENTAL DYSOSTOSIS. Identifiers: Orphanet 952, MedGen C0457013, MONDO:0008673, OMIM 193530.

Allele frequency attached by ClinVar (database versions not stated): gnomAD 0.00001; gnomAD exomes 0.00001; TOPMed 0.00001.

Submissions (2):

Labcorp Genetics (formerly Invitae), Labcorp
Classification: Pathogenic for Curry-Hall syndrome; Ellis-van Creveld syndrome. Last evaluated: 2023-06-23. Review status: criteria provided, single submitter. Criteria: Invitae Variant Classification Sherloc (09022015). Collection method: clinical testing. Allele origin: germline.
Comment: This sequence change creates a premature translational stop signal (p.Ser1126Ilefs*47) in the EVC2 gene. It is expected to result in an absent or disrupted protein product. Loss-of-function variants in EVC2 are known to be pathogenic (PMID: 17024374, 19810119, 19876929). This variant is not present in population databases (gnomAD no frequency). This variant has not been reported in the literature in individuals affected with EVC2-related conditions. ClinVar contains an entry for this variant (Variation ID: 1723633). For these reasons, this variant has been classified as Pathogenic.

GeneDx
Classification: Likely pathogenic. Last evaluated: 2022-11-08. Review status: criteria provided, single submitter. Criteria: GeneDx Variant Classification Process June 2021. Collection method: clinical testing. Allele origin: germline. Affected: yes.
Comment: Frameshift variant predicted to result in protein truncation or nonsense mediated decay in a gene for which loss of function is a known mechanism of disease; Not observed at significant frequency in large population cohorts (gnomAD); Has not been previously published as pathogenic or benign to our knowledge

Literature cited by the submitters: PubMed 17024374 (cited by Labcorp Genetics (formerly Invitae), Labcorp); PubMed 19810119 (cited by Labcorp Genetics (formerly Invitae), Labcorp); PubMed 19876929 (cited by Labcorp Genetics (formerly Invitae), Labcorp).

NM_147127.5(EVC2):c.3374dup (p.Ser1126fs)

Gene: EVC2 (EvC ciliary complex subunit 2; minus strand). Cytogenetic location: 4p16.2.
Variant type: Duplication.
Coding change: c.3374dup on transcript NM_147127.5 (MANE Select); coding-DNA position 3374, one base duplicated (C; older notation c.3374dupC).
Protein change: p.Ser1126fs; shifts the reading frame from serine 1126.
Molecular consequence: frameshift variant.
Genome position (GRCh38, 1-based): chr4:5,568,627, G duplicated on the plus strand (C on the coding strand, the reverse complement: EVC2 is on the minus strand). VCF-style (leftmost placement, unchanged base first): chr4-5568626-T-TG. GRCh37 (hg19) VCF-style: chr4-5570353-T-TG.
Other names: c.3134dup, p.Ser1046fs (NM_001166136.2); short protein forms S1046fs, S1126fs.
Identifiers: ClinVar variation 1723633 (VCV001723633.7), dbSNP rs1176738073, ClinGen allele CA796437202.